The following is an entry in ClinVar:

NM_004260.4(RECQL4):c.2885+3A>T

Gene: RECQL4 (RecQ like helicase 4; minus strand). Cytogenetic location: 8q24.3.
Variant type: single nucleotide variant.
Coding change: c.2885+3A>T on transcript NM_004260.4 (MANE Select); 3 bases into the intron after coding-DNA position 2885, A replaced by T.
Molecular consequence: intron variant.
Genome position (GRCh38, 1-based): chr8:144,512,639, T>A on the plus strand (A>T on the coding strand, the complement: RECQL4 is on the minus strand). VCF-style: chr8-144512639-T-A. GRCh37 (hg19) VCF-style: chr8-145738022-T-A.
Identifiers: ClinVar variation 569777 (VCV000569777.7), dbSNP rs756288212, ClinGen allele CA4948040.

ClinVar aggregate classification (germline): Uncertain significance (1 of 4 stars; one submission).

Conditions:
Baller-Gerold syndrome (BGS). Also called: CRANIOSYNOSTOSIS WITH RADIAL DEFECTS. Identifiers: Orphanet 1225, MedGen C0265308, MONDO:0009039, OMIM 218600.

Allele frequency attached by ClinVar (database versions not stated): gnomAD exomes below 0.00001; TOPMed below 0.00001; ExAC 0.00001; gnomAD 0.00001.
gnomAD v4.1: 2 of 1,611,620 alleles (0.00012%); highest among the groups gnomAD compares: African/African-American, 0.0013%; no homozygotes.

Submission:

Labcorp Genetics (formerly Invitae), Labcorp
Classification: Uncertain significance for Baller-Gerold syndrome. Last evaluated: 2024-01-02. Review status: criteria provided, single submitter. Criteria: Invitae Variant Classification Sherloc (09022015). Collection method: clinical testing. Allele origin: germline.
Comment: This sequence change falls in intron 16 of the RECQL4 gene. It does not directly change the encoded amino acid sequence of the RECQL4 protein. It affects a nucleotide within the consensus splice site. This variant is present in population databases (rs756288212, gnomAD 0.007%). This variant has not been reported in the literature in individuals affected with RECQL4-related conditions. ClinVar contains an entry for this variant (Variation ID: 569777). Variants that disrupt the consensus splice site are a relatively common cause of aberrant splicing (PMID: 17576681, 9536098). Algorithms developed to predict the effect of sequence changes on RNA splicing suggest that this variant is not likely to affect RNA splicing. In summary, the available evidence is currently insufficient to determine the role of this variant in disease. Therefore, it has been classified as a Variant of Uncertain Significance.

Literature cited by the submitters: PubMed 17576681; PubMed 9536098.